The following is an entry in ClinVar:

NM_020937.4(FANCM):c.4205C>T (p.Ser1402Phe)

Gene: FANCM (FA complementation group M; plus strand). Cytogenetic location: 14q21.2.
Variant type: single nucleotide variant.
Coding change: c.4205C>T on transcript NM_020937.4 (MANE Select); coding-DNA position 4205, C replaced by T.
Protein change: p.Ser1402Phe; replaces serine 1402 with phenylalanine.
Molecular consequence: missense variant.
Genome position (GRCh38, 1-based): chr14:45,176,959, C>T. VCF-style: chr14-45176959-C-T. GRCh37 (hg19) VCF-style: chr14-45646162-C-T.
Other names: c.4127C>T, p.Ser1376Phe (NM_001308133.2); short protein forms S1376F, S1402F.
Identifiers: ClinVar variation 3252785 (VCV003252785.3), dbSNP rs2503198058.

ClinVar aggregate classification (germline): Uncertain significance. Review status: criteria provided, multiple submitters, no conflicts (2 of 4 stars). 3 submissions from 3 submitters: Uncertain significance (3). Last evaluated 2026-01-14.

Conditions:
Fanconi anemia (FA). Also called: Fanconi's anemia. Identifiers: Orphanet 84, MedGen C0015625, MeSH D005199, MONDO:0019391.
Inborn genetic diseases. Identifiers: MedGen C0950123, MeSH D030342.

Allele frequency attached by ClinVar (database versions not stated): gnomAD exomes below 0.00001.
gnomAD v4.1: 4 of 1,591,152 alleles (0.00025%); highest among the groups gnomAD compares: Non-Finnish European, 0.00034%; no homozygotes.

Submissions (3):

Labcorp Genetics (formerly Invitae), Labcorp
Classification: Uncertain significance for Fanconi anemia. Last evaluated: 2026-01-14. Review status: criteria provided, single submitter. Criteria: Invitae Variant Classification Sherloc (09022015). Collection method: clinical testing. Allele origin: germline.
Comment: This sequence change replaces serine, which is neutral and polar, with phenylalanine, which is neutral and non-polar, at codon 1402 of the FANCM protein (p.Ser1402Phe). This variant is not present in population databases (gnomAD no frequency). This variant has not been reported in the literature in individuals affected with FANCM-related conditions. ClinVar contains an entry for this variant (Variation ID: 3252785). An algorithm developed to predict the effect of missense changes on protein structure and function outputs the following: PolyPhen-2: "Benign". The phenylalanine amino acid residue is found in multiple mammalian species, which suggests that this missense change does not adversely affect protein function. In summary, the available evidence is currently insufficient to determine the role of this variant in disease. Therefore, it has been classified as a Variant of Uncertain Significance.

Ambry Genetics
Classification: Uncertain significance for Inborn genetic diseases. Last evaluated: 2025-02-02. Review status: criteria provided, single submitter. Criteria: Ambry Variant Classification Scheme 2023. Collection method: clinical testing. Allele origin: germline.
Comment: The p.S1402F variant (also known as c.4205C>T), located in coding exon 14 of the FANCM gene, results from a C to T substitution at nucleotide position 4205. The serine at codon 1402 is replaced by phenylalanine, an amino acid with highly dissimilar properties. This amino acid position is conserved. In addition, this alteration is predicted to be tolerated by in silico analysis. Based on the available evidence, the clinical significance of this variant remains unclear.

GeneDx
Classification: Uncertain significance. Last evaluated: 2023-08-11. Review status: criteria provided, single submitter. Criteria: GeneDx Variant Classification Process June 2021. Collection method: clinical testing. Allele origin: germline. Affected: yes.
Comment: Not observed at significant frequency in large population cohorts (gnomAD); In silico analysis supports that this missense variant has a deleterious effect on protein structure/function; Has not been previously published as pathogenic or benign to our knowledge